The following is an entry in ClinVar:

ClinVar aggregate classification (germline): Benign. Review status: criteria provided, multiple submitters, no conflicts (2 of 4 stars). 3 submissions from 3 submitters: Benign (2). 1 of the submissions does not count toward it. Last evaluated 2025-11-23.

Conditions:
ASXL1-related disorder. Also called: ASXL1-related disorders; ASXL1-related condition.

Allele frequency attached by ClinVar (database versions not stated): gnomAD exomes 0.00001 and 0.00004; ExAC 0.00005; ESP Exome Variant Server 0.00015; 1000 Genomes Project 30x 0.00016; gnomAD 0.00019 and 0.00020; 1000 Genomes Project 0.00020.
gnomAD v4.1: 56 of 1,611,522 alleles (0.0035%); highest among the groups gnomAD compares: African/African-American, 0.057%; no homozygotes.

Submissions (3):

Labcorp Genetics (formerly Invitae), Labcorp
Classification: Benign. Last evaluated: 2025-11-23. Review status: criteria provided, single submitter. Criteria: Invitae Variant Classification Sherloc (09022015). Collection method: clinical testing. Allele origin: germline.

GeneDx
Classification: Benign. Last evaluated: 2020-11-18. Review status: criteria provided, single submitter. Criteria: GeneDx Variant Classification Process June 2021. Collection method: clinical testing. Allele origin: germline. Affected: yes.

PreventionGenetics, part of Exact Sciences
Classification: Likely benign for ASXL1-related condition. Last evaluated: 2019-04-26. Review status: no assertion criteria provided. Collection method: clinical testing. Allele origin: germline. Not counted in ClinVar's aggregate classification.
Comment: This variant is classified as likely benign based on ACMG/AMP sequence variant interpretation guidelines (Richards et al. 2015 PMID: 25741868, with internal and published modifications).

NM_015338.6(ASXL1):c.1474G>C (p.Ala492Pro)

Gene: ASXL1 (ASXL transcriptional regulator 1; plus strand). Cytogenetic location: 20q11.21.
Variant type: single nucleotide variant.
Coding change: c.1474G>C on transcript NM_015338.6 (MANE Select); coding-DNA position 1474, G replaced by C.
Protein change: p.Ala492Pro; replaces alanine 492 with proline.
Molecular consequence: missense variant.
Genome position (GRCh38, 1-based): chr20:32,433,672, G>C. VCF-style: chr20-32433672-G-C. GRCh37 (hg19) VCF-style: chr20-31021475-G-C.
Other names: c.1291G>C, p.Ala431Pro (NM_001363734.1); short protein forms A431P, A492P.
Identifiers: ClinVar variation 1276740 (VCV001276740.8), dbSNP rs145913172, ClinGen allele CA9808361.